The following is an entry in ClinVar:

ClinVar aggregate classification (germline): Benign/Likely benign. Review status: criteria provided, multiple submitters, no conflicts (2 of 4 stars). 10 submissions from 8 submitters: Benign (7); Likely benign (1). 2 of the submissions do not count toward it. Last evaluated 2026-02-04.

Conditions:
Thrombophilia due to thrombin defect (THPH1). Also called: Thrombosis susceptibility; THROMBOPHILIA DUE TO FACTOR 2 DEFECT; Prothrombin-Related Thrombophilia (Factor II); Prothrombin Thrombophilia. Identifiers: MedGen C3160733, MONDO:0008559, OMIM 188050. Disease mechanism: gain of function, loss of function.
Congenital factor V deficiency. Also called: LABILE FACTOR DEFICIENCY; OWREN PARAHEMOPHILIA; PARAHEMOPHILIA; Hereditary factor V deficiency disease. Identifiers: Orphanet 326, MedGen C0015499, MONDO:0009210, OMIM 227400.
Budd-Chiari syndrome (BDCHS). Also called: Hepatic vein obstruction. Identifiers: Orphanet 131, MedGen C0856761, MONDO:0010947, OMIM 600880, HP:0002639.
Factor V deficiency. Also called: Reduced coagulation factor V activity. Identifiers: Orphanet 326, MedGen C4317320, MONDO:0020586, HP:0003225.

Allele frequency attached by ClinVar (database versions not stated): gnomAD 0.24147 and 0.24548; ESP Exome Variant Server 0.24358; TOPMed 0.25418; 1000 Genomes Project 30x 0.25999; 1000 Genomes Project 0.26278; gnomAD exomes 0.27207 and 0.27844; ExAC 0.27361.
gnomAD v4.1: 434,401 of 1,613,338 alleles (27%); highest among the groups gnomAD compares: Admixed American, 39%; 60,137 homozygotes.

Submissions (10):

Labcorp Genetics (formerly Invitae), Labcorp
Classification: Benign for Congenital factor V deficiency. Last evaluated: 2026-02-04. Review status: criteria provided, single submitter. Criteria: Invitae Variant Classification Sherloc (09022015). Collection method: clinical testing. Allele origin: germline.

Mayo Clinic Laboratories, Mayo Clinic
Classification: Benign. Last evaluated: 2022-01-13. Review status: criteria provided, single submitter. Criteria: ACMG Guidelines, 2015. Collection method: clinical testing. Allele origin: germline. Observed: 100 variant alleles.

GeneDx
Classification: Benign. Last evaluated: 2018-11-11. Review status: criteria provided, single submitter. Criteria: GeneDx Variant Classification Process June 2021. Collection method: clinical testing. Allele origin: germline. Affected: yes.

Illumina Laboratory Services, Illumina
Classification: Benign for Congenital factor V deficiency. Last evaluated: 2018-01-12. Review status: criteria provided, single submitter. Criteria: ICSL Variant Classification Criteria 13 December 2019. Collection method: clinical testing. Allele origin: germline.
Comment: This variant was observed in the ICSL laboratory as part of a predisposition screen in an ostensibly healthy population. It had not been previously curated by ICSL or reported in the Human Gene Mutation Database (HGMD: prior to June 1st, 2018), and was therefore a candidate for classification through an automated scoring system. Utilizing variant allele frequency, disease prevalence and penetrance estimates, and inheritance mode, an automated score was calculated to assess if this variant is too frequent to cause the disease. Based on the score and internal cut-off values, a variant classified as benign is not then subjected to further curation. The score for this variant resulted in a classification of benign for this disease.

Illumina Laboratory Services, Illumina
Classification: Benign for Venous thrombosis. Last evaluated: 2018-01-12. Review status: criteria provided, single submitter. Criteria: ICSL Variant Classification Criteria 13 December 2019. Collection method: clinical testing. Allele origin: germline.
Comment: the same text as in the submission from Illumina Laboratory Services, Illumina above.

Illumina Laboratory Services, Illumina
Classification: Benign for Budd-Chiari syndrome. Last evaluated: 2018-01-12. Review status: criteria provided, single submitter. Criteria: ICSL Variant Classification Criteria 13 December 2019. Collection method: clinical testing. Allele origin: germline.
Comment: the same text as in the submission from Illumina Laboratory Services, Illumina above.

Breakthrough Genomics
Classification: Likely benign. Review status: criteria provided, single submitter. Criteria: ACMG Guidelines, 2015. Collection method: not provided. Allele origin: germline. Inheritance: Autosomal recessive inheritance. Affected: yes.

PreventionGenetics, part of Exact Sciences
Classification: Benign. Review status: criteria provided, single submitter. Criteria: ACMG Guidelines, 2015. Collection method: clinical testing. Allele origin: germline.

Diagnostic Laboratory, Department of Genetics, University Medical Center Groningen
Classification: Benign. Review status: no assertion criteria provided. Collection method: clinical testing. Allele origin: germline. Affected: yes. Study: VKGL Data-share Consensus. Not counted in ClinVar's aggregate classification.

Joint Genome Diagnostic Labs from Nijmegen and Maastricht, Radboudumc and MUMC+
Classification: Benign. Review status: no assertion criteria provided. Collection method: clinical testing. Allele origin: germline. Affected: yes. Study: VKGL Data-share Consensus. Not counted in ClinVar's aggregate classification.

NM_000130.5(F5):c.2208C>T (p.Ile736=)

Gene: F5 (coagulation factor V; minus strand). Cytogenetic location: 1q24.2.
Variant type: single nucleotide variant.
Coding change: c.2208C>T on transcript NM_000130.5 (MANE Select); coding-DNA position 2208, C replaced by T.
Protein change: p.Ile736=; no amino-acid change (isoleucine 736 retained).
Molecular consequence: synonymous variant.
Genome position (GRCh38, 1-based): chr1:169,542,882, G>A on the plus strand (C>T on the coding strand, the complement: F5 is on the minus strand). VCF-style: chr1-169542882-G-A. GRCh37 (hg19) VCF-style: chr1-169512120-G-A.
Other names: p.Ile736=.
Identifiers: ClinVar variation 255193 (VCV000255193.19), dbSNP rs6016, ClinGen allele CA1234131.
Genomic context (GRCh38, chr1:169,542,882, plus strand): 5'-TAGGGCAGTAAGATTGAACTCTTCTTCTTCCTGATTCAATGATGAGTTTCGGAATGACCT[G>A]ATTCCTAATGCTGCAGCCAGTCTGTTCTGGTAATCATAGTCAGCATCACTCTCTTCATCT-3'
Protein context (NP_000121.2, residues 726-746): YQNRLAAALG[Ile736=]RSFRNSSLNQ